The following is an entry in ClinVar:

ClinVar aggregate classification (germline): Uncertain significance (1 of 4 stars; one submission).

Submission:

Labcorp Genetics (formerly Invitae), Labcorp
Classification: Uncertain significance. Last evaluated: 2025-04-07. Review status: criteria provided, single submitter. Criteria: Invitae Variant Classification Sherloc (09022015). Collection method: clinical testing. Allele origin: germline.
Comment: This sequence change replaces valine, which is neutral and non-polar, with leucine, which is neutral and non-polar, at codon 670 of the NEFH protein (p.Val670Leu). This variant is not present in population databases (gnomAD no frequency). This variant has not been reported in the literature in individuals affected with NEFH-related conditions. ClinVar contains an entry for this variant (Variation ID: 3637757). Invitae Evidence Modeling of protein sequence and biophysical properties (such as structural, functional, and spatial information, amino acid conservation, physicochemical variation, residue mobility, and thermodynamic stability) indicates that this missense variant is not expected to disrupt NEFH protein function with a negative predictive value of 95%. In summary, the available evidence is currently insufficient to determine the role of this variant in disease. Therefore, it has been classified as a Variant of Uncertain Significance.

NM_021076.4(NEFH):c.2008G>C (p.Val670Leu)

Gene: NEFH (neurofilament heavy chain; plus strand). Cytogenetic location: 22q12.2.
Variant type: single nucleotide variant.
Coding change: c.2008G>C on transcript NM_021076.4 (MANE Select); coding-DNA position 2008, G replaced by C.
Protein change: p.Val670Leu; replaces valine 670 with leucine.
Molecular consequence: missense variant.
Genome position (GRCh38, 1-based): chr22:29,489,648, G>C. VCF-style: chr22-29489648-G-C. GRCh37 (hg19) VCF-style: chr22-29885637-G-C.
Other names: short protein forms V670L.
Identifiers: ClinVar variation 3637757 (VCV003637757.2).